The following is an entry in ClinVar:

NM_031433.4(MFRP):c.1073A>G (p.Tyr358Cys)

Genes: C1QTNF5 (C1q and TNF related 5; minus strand), MFRP (membrane frizzled-related protein; minus strand). Cytogenetic location: 11q23.3.
Variant type: single nucleotide variant.
Coding change: c.1073A>G on transcript NM_031433.4 (MANE Select); coding-DNA position 1073, A replaced by G.
Protein change: p.Tyr358Cys; replaces tyrosine 358 with cysteine.
Molecular consequence: missense variant. On other transcripts: 5 prime UTR variant (1).
Genome position (GRCh38, 1-based): chr11:119,343,867, T>C on the plus strand (A>G on the coding strand, the complement: MFRP is on the minus strand). VCF-style: chr11-119343867-T-C. GRCh37 (hg19) VCF-style: chr11-119214577-T-C.
Other names: c.-1564A>G (NM_015645.5); short protein forms Y358C.
Identifiers: ClinVar variation 859138 (VCV000859138.5), dbSNP rs199657714, ClinGen allele CA6320269.

ClinVar aggregate classification (germline): Uncertain significance (1 of 4 stars; one submission).

Conditions:
Isolated microphthalmia 5. Also called: Posterior Microphthalmia with Retinitis Pigmentosa, Foveoschisis, and Optic Disc Drusen. Identifiers: Orphanet 251279, MedGen C1970236, MONDO:0012605, OMIM 611040.

Allele frequency attached by ClinVar (database versions not stated): ExAC 0.00006; gnomAD exomes 0.00006 and 0.00011; gnomAD 0.00003; TOPMed 0.00005; ESP Exome Variant Server 0.00015.
gnomAD v4.1: 164 of 1,613,866 alleles (0.01%); highest among the groups gnomAD compares: Non-Finnish European, 0.013%; no homozygotes.

Submission:

Labcorp Genetics (formerly Invitae), Labcorp
Classification: Uncertain significance for Isolated microphthalmia 5. Last evaluated: 2022-08-09. Review status: criteria provided, single submitter. Criteria: Invitae Variant Classification Sherloc (09022015). Collection method: clinical testing. Allele origin: germline.
Comment: This sequence change replaces tyrosine, which is neutral and polar, with cysteine, which is neutral and slightly polar, at codon 358 of the MFRP protein (p.Tyr358Cys). This variant is present in population databases (rs199657714, gnomAD 0.01%). This variant has not been reported in the literature in individuals affected with MFRP-related conditions. ClinVar contains an entry for this variant (Variation ID: 859138). Algorithms developed to predict the effect of missense changes on protein structure and function are either unavailable or do not agree on the potential impact of this missense change (SIFT: "Deleterious"; PolyPhen-2: "Probably Damaging"; Align-GVGD: "Class C0"). In summary, the available evidence is currently insufficient to determine the role of this variant in disease. Therefore, it has been classified as a Variant of Uncertain Significance.